The following is an entry in ClinVar:

NM_152564.5(VPS13B):c.5761A>C (p.Thr1921Pro)

Gene: VPS13B (vacuolar protein sorting 13 homolog B; plus strand). Cytogenetic location: 8q22.2.
Variant type: single nucleotide variant.
Coding change: c.5761A>C on transcript NM_152564.5 (MANE Select); coding-DNA position 5761, A replaced by C.
Protein change: p.Thr1921Pro; replaces threonine 1921 with proline.
Molecular consequence: missense variant.
Genome position (GRCh38, 1-based): chr8:99,642,351, A>C. VCF-style: chr8-99642351-A-C. GRCh37 (hg19) VCF-style: chr8-100654579-A-C.
Other names: c.5836A>C, p.Thr1946Pro (NM_017890.5); short protein forms T1921P, T1946P.
Identifiers: ClinVar variation 5001813 (VCV005001813.1).
Genomic context (GRCh38, chr8:99,642,351, plus strand): 5'-AGGTCATCTGCTAGACAAGCACTTGGTATAACTATTGTTCGGCAGCCTGGTCGAAGAGGA[A>C]CTGGTGACTTACAGCTAGAGCCTTTTCTGTACTTTATTGTGTCCCAGCCTTCCTTGCTTC-3'
Protein context (NP_689777.3, residues 1911-1931): TIVRQPGRRG[Thr1921Pro]GDLQLEPFLY

ClinVar aggregate classification (germline): Uncertain significance (1 of 4 stars; one submission).

Conditions:
VPS13B-related disorder. Also called: VPS13B-related condition.

gnomAD v4.1: 3 of 1,614,006 alleles (0.00019%); highest among the groups gnomAD compares: South Asian, 0.0033%; no homozygotes.

Submission:

PreventionGenetics, part of Exact Sciences
Classification: Uncertain significance for VPS13B-related condition. Last evaluated: 2025-09-10. Review status: criteria provided, single submitter. Criteria: ACMG Guidelines, 2015. Collection method: clinical testing. Allele origin: germline.
Comment: The VPS13B c.5761A>C variant is predicted to result in the amino acid substitution p.Thr1921Pro. To our knowledge, this variant has not been reported in the literature or in a large population database (gnomAD), indicating this variant is rare. At this time, the clinical significance of this variant is uncertain due to the absence of conclusive functional and genetic evidence.